The following is an entry in ClinVar:

NM_001364905.1(LRBA):c.5800A>G (p.Met1934Val)

Gene: LRBA (LPS responsive beige-like anchor protein; minus strand). Cytogenetic location: 4q31.3.
Variant type: single nucleotide variant.
Coding change: c.5800A>G on transcript NM_001364905.1 (MANE Select); coding-DNA position 5800, A replaced by G.
Protein change: p.Met1934Val; replaces methionine 1934 with valine.
Molecular consequence: missense variant.
Genome position (GRCh38, 1-based): chr4:150,683,672, T>C on the plus strand (A>G on the coding strand, the complement: LRBA is on the minus strand). VCF-style: chr4-150683672-T-C. GRCh37 (hg19) VCF-style: chr4-151604824-T-C.
Other names: c.5800A>G, p.Met1934Val (NM_001199282.3, NM_001367550.1, NM_006726.5); short protein forms M1934V.
Identifiers: ClinVar variation 1397490 (VCV001397490.6), dbSNP rs1469519417, ClinGen allele CA358610603.

ClinVar aggregate classification (germline): Uncertain significance (1 of 4 stars; one submission).

Conditions:
Combined immunodeficiency due to LRBA deficiency. Also called: Common variable immunodeficiency 8, with autoimmunity. Identifiers: Orphanet 445018, MedGen C3553512, MONDO:0013863, OMIM 614700.

Allele frequency attached by ClinVar (database versions not stated): gnomAD exomes below 0.00001; gnomAD 0.00001.

Submission:

Labcorp Genetics (formerly Invitae), Labcorp
Classification: Uncertain significance for Combined immunodeficiency due to LRBA deficiency. Last evaluated: 2023-08-04. Review status: criteria provided, single submitter. Criteria: Invitae Variant Classification Sherloc (09022015). Collection method: clinical testing. Allele origin: germline.
Comment: This sequence change replaces methionine, which is neutral and non-polar, with valine, which is neutral and non-polar, at codon 1934 of the LRBA protein (p.Met1934Val). This variant is present in population databases (no rsID available, gnomAD 0.0009%). This variant has not been reported in the literature in individuals affected with LRBA-related conditions. ClinVar contains an entry for this variant (Variation ID: 1397490). Advanced modeling of protein sequence and biophysical properties (such as structural, functional, and spatial information, amino acid conservation, physicochemical variation, residue mobility, and thermodynamic stability) performed at Invitae indicates that this missense variant is not expected to disrupt LRBA protein function. In summary, the available evidence is currently insufficient to determine the role of this variant in disease. Therefore, it has been classified as a Variant of Uncertain Significance.